The following is an entry in ClinVar:

ClinVar aggregate classification (germline): Likely benign (1 of 4 stars; one submission).

Conditions:
Familial colorectal cancer type X. Identifiers: Orphanet 440437, MedGen C3896578, MONDO:0018604.

Submission:

Myriad Genetics, Inc.
Classification: Likely benign for Familial colorectal cancer type X. Last evaluated: 2026-07-31. Review status: criteria provided, single submitter. Criteria: Myriad Autosomal Dominant, Autosomal Recessive and X-Linked Classification Criteria (2023). Collection method: clinical testing. Allele origin: unknown.
Comment: This variant is considered likely benign. This variant is intronic and is not expected to impact mRNA splicing.

NM_001023.4(RPS20):c.4-18T>C

Gene: RPS20 (ribosomal protein S20; minus strand). Cytogenetic location: 8q12.1.
Variant type: single nucleotide variant.
Coding change: c.4-18T>C on transcript NM_001023.4 (MANE Select); 18 bases into the intron before coding-DNA position 4, T replaced by C.
Molecular consequence: intron variant.
Genome position (GRCh38, 1-based): chr8:56,074,177, A>G on the plus strand (T>C on the coding strand, the complement: RPS20 is on the minus strand). VCF-style: chr8-56074177-A-G. GRCh37 (hg19) VCF-style: chr8-56986736-A-G.
Other names: c.4-18T>C (NM_001146227.3).
Identifiers: ClinVar variation 5042339 (VCV005042339.1).